The following is an entry in ClinVar:

ClinVar aggregate classification (germline): Uncertain significance (1 of 4 stars; one submission).

Conditions:
Nephronophthisis 15 (NPHP15). Identifiers: Orphanet 3156, MedGen C3541853, MONDO:0013917, OMIM 614845.

Allele frequency attached by ClinVar (database versions not stated): ExAC 0.00001; gnomAD exomes 0.00002.
gnomAD v4.1: 30 of 1,614,140 alleles (0.0019%); highest among the groups gnomAD compares: Non-Finnish European, 0.002%; no homozygotes.

Submission:

Labcorp Genetics (formerly Invitae), Labcorp
Classification: Uncertain significance for Nephronophthisis 15. Last evaluated: 2022-06-09. Review status: criteria provided, single submitter. Criteria: Invitae Variant Classification Sherloc (09022015). Collection method: clinical testing. Allele origin: germline.
Comment: In summary, the available evidence is currently insufficient to determine the role of this variant in disease. Therefore, it has been classified as a Variant of Uncertain Significance. Algorithms developed to predict the effect of missense changes on protein structure and function (SIFT, PolyPhen-2, Align-GVGD) all suggest that this variant is likely to be disruptive. This variant has not been reported in the literature in individuals affected with CEP164-related conditions. This variant is present in population databases (rs775351622, gnomAD 0.002%). This sequence change replaces aspartic acid, which is acidic and polar, with tyrosine, which is neutral and polar, at codon 425 of the CEP164 protein (p.Asp425Tyr).

NM_014956.5(CEP164):c.1273G>T (p.Asp425Tyr)

Gene: CEP164 (centrosomal protein 164; plus strand). Cytogenetic location: 11q23.3.
Variant type: single nucleotide variant.
Coding change: c.1273G>T on transcript NM_014956.5 (MANE Select); coding-DNA position 1273, G replaced by T.
Protein change: p.Asp425Tyr; replaces aspartic acid 425 with tyrosine.
Molecular consequence: missense variant.
Genome position (GRCh38, 1-based): chr11:117,375,747, G>T. VCF-style: chr11-117375747-G-T. GRCh37 (hg19) VCF-style: chr11-117246463-G-T.
Other names: c.1273G>T, p.Asp425Tyr (NM_001271933.2); short protein forms D425Y.
Identifiers: ClinVar variation 2191020 (VCV002191020.4), dbSNP rs775351622, ClinGen allele CA6294702.
Genomic context (GRCh38, chr11:117,375,747, plus strand): 5'-TTGCATCTCCACTGTCTCCAGGACTTCGGTTTTCGCAGCCGGATCTCGGAGCACCTGCTG[G>T]ATGTTGATGTGCTTTCCCCAGTCCTGGGTGGAGCTTGTCGGCAGGTGAGTTTCTGTGGGT-3'
Protein context (NP_055771.4, residues 415-435): FRSRISEHLL[Asp425Tyr]VDVLSPVLGG